The following is an entry in ClinVar:

ClinVar aggregate classification (germline): Uncertain significance (1 of 4 stars; one submission).

Conditions:
KBG syndrome (KBGS). Also called: ANKRD11-Related KBG Syndrome. Identifiers: Orphanet 2332, MedGen C0220687, MONDO:0007846, OMIM 148050.

Allele frequency attached by ClinVar (database versions not stated): ExAC 0.00001; TOPMed 0.00001.
gnomAD v4.1: 3 of 1,610,106 alleles (0.00019%); highest among the groups gnomAD compares: African/African-American, 0.0013%; no homozygotes.

Submission:

Labcorp Genetics (formerly Invitae), Labcorp
Classification: Uncertain significance for KBG syndrome. Last evaluated: 2022-11-19. Review status: criteria provided, single submitter. Criteria: Invitae Variant Classification Sherloc (09022015). Collection method: clinical testing. Allele origin: germline.
Comment: This sequence change replaces glutamic acid, which is acidic and polar, with aspartic acid, which is acidic and polar, at codon 2206 of the ANKRD11 protein (p.Glu2206Asp). The frequency data for this variant in the population databases is considered unreliable, as metrics indicate poor data quality at this position in the gnomAD database. This variant has not been reported in the literature in individuals affected with ANKRD11-related conditions. Advanced modeling of protein sequence and biophysical properties (such as structural, functional, and spatial information, amino acid conservation, physicochemical variation, residue mobility, and thermodynamic stability) performed at Invitae indicates that this missense variant is not expected to disrupt ANKRD11 protein function. In summary, the available evidence is currently insufficient to determine the role of this variant in disease. Therefore, it has been classified as a Variant of Uncertain Significance.

NM_013275.6(ANKRD11):c.6618G>T (p.Glu2206Asp)

Gene: ANKRD11 (ankyrin repeat domain 11; minus strand). Cytogenetic location: 16q24.3.
Variant type: single nucleotide variant.
Coding change: c.6618G>T on transcript NM_013275.6 (MANE Select); coding-DNA position 6618, G replaced by T.
Protein change: p.Glu2206Asp; replaces glutamic acid 2206 with aspartic acid.
Molecular consequence: missense variant.
Genome position (GRCh38, 1-based): chr16:89,279,924, C>A on the plus strand (G>T on the coding strand, the complement: ANKRD11 is on the minus strand). VCF-style: chr16-89279924-C-A. GRCh37 (hg19) VCF-style: chr16-89346332-C-A.
Other names: c.6618G>T, p.Glu2206Asp (NM_001256182.2, NM_001256183.2); short protein forms E2206D.
Identifiers: ClinVar variation 2994204 (VCV002994204.3), dbSNP rs774615667, ClinGen allele CA8241382.